The following is an entry in ClinVar:

NM_001005361.3(DNM2):c.10C>T (p.Arg4Cys)

Genes: DNM2 (dynamin 2; plus strand), LOC130063529 (ATAC-STARR-seq lymphoblastoid silent region 10090; plus strand). Cytogenetic location: 19p13.2.
Variant type: single nucleotide variant.
Coding change: c.10C>T on transcript NM_001005361.3 (MANE Select); coding-DNA position 10, C replaced by T.
Protein change: p.Arg4Cys; replaces arginine 4 with cysteine.
Molecular consequence: missense variant.
Genome position (GRCh38, 1-based): chr19:10,718,252, C>T. VCF-style: chr19-10718252-C-T. GRCh37 (hg19) VCF-style: chr19-10828928-C-T.
Other names: c.10C>T, p.Arg4Cys (NM_001005360.3, NM_001005362.3, NM_001190716.2 and 1 more transcripts); short protein forms R4C.
Identifiers: ClinVar variation 859273 (VCV000859273.8), dbSNP rs1202955393, ClinGen allele CA404046360.

ClinVar aggregate classification (germline): Uncertain significance. Review status: criteria provided, multiple submitters, no conflicts (2 of 4 stars). 2 submissions from 2 submitters: Uncertain significance (2). Last evaluated 2024-07-12.

Conditions:
Charcot-Marie-Tooth disease dominant intermediate B (CMTDIB). Also called: Charcot-Marie-Tooth disease dominant intermediate 1; CMT DI1; Charcot-Marie-Tooth disease dominant intermediate I; CHARCOT-MARIE-TOOTH NEUROPATHY, DOMINANT INTERMEDIATE B. Identifiers: Orphanet 100044, Orphanet 228179, MedGen C1847902, MONDO:0011674, OMIM 606482.

Allele frequency attached by ClinVar (database versions not stated): gnomAD 0.00001; gnomAD exomes 0.00001; TOPMed 0.00001.
gnomAD v4.1: 16 of 1,483,050 alleles (0.0011%); highest among the groups gnomAD compares: Non-Finnish European, 0.0013%; no homozygotes.

Submissions (2):

Labcorp Genetics (formerly Invitae), Labcorp
Classification: Uncertain significance for Charcot-Marie-Tooth disease dominant intermediate B. Last evaluated: 2024-07-12. Review status: criteria provided, single submitter. Criteria: Invitae Variant Classification Sherloc (09022015). Collection method: clinical testing. Allele origin: germline.
Comment: This sequence change replaces arginine, which is basic and polar, with cysteine, which is neutral and slightly polar, at codon 4 of the DNM2 protein (p.Arg4Cys). This variant is present in population databases (no rsID available, gnomAD 0.004%). This variant has not been reported in the literature in individuals affected with DNM2-related conditions. ClinVar contains an entry for this variant (Variation ID: 859273). Advanced modeling of protein sequence and biophysical properties (such as structural, functional, and spatial information, amino acid conservation, physicochemical variation, residue mobility, and thermodynamic stability) has been performed at Invitae for this missense variant, however the output from this modeling did not meet the statistical confidence thresholds required to predict the impact of this variant on DNM2 protein function. In summary, the available evidence is currently insufficient to determine the role of this variant in disease. Therefore, it has been classified as a Variant of Uncertain Significance.

Revvity Omics, Revvity
Classification: Uncertain significance. Last evaluated: 2020-08-04. Review status: criteria provided, single submitter. Criteria: ACMG Guidelines, 2015. Collection method: clinical testing. Allele origin: germline.